The following is an entry in ClinVar:

ClinVar aggregate classification (germline): Uncertain significance. Review status: criteria provided, multiple submitters, no conflicts (2 of 4 stars). 5 submissions from 5 submitters: Uncertain significance (5). Last evaluated 2025-10-06.

Conditions:
Hereditary cancer-predisposing syndrome. Also called: Hereditary Cancer Syndrome; Hereditary neoplastic syndrome; Tumor predisposition; Neoplastic Syndromes, Hereditary. Identifiers: Orphanet 140162, MedGen C0027672, MeSH D009386, MONDO:0015356.
Multiple endocrine neoplasia, type 1 (MEN1). Also called: MEN I; WERMER SYNDROME; Endocrine adenomatosis multiple; MEN 1; MEA I. Identifiers: Orphanet 652, MedGen C0025267, MeSH D018761, MONDO:0007540, OMIM 131100.

Allele frequency attached by ClinVar (database versions not stated): gnomAD exomes below 0.00001.
gnomAD v4.1: 4 of 1,596,874 alleles (0.00025%); highest among the groups gnomAD compares: Non-Finnish European, 0.00034%; no homozygotes.

Submissions (5):

Labcorp Genetics (formerly Invitae), Labcorp
Classification: Uncertain significance for Multiple endocrine neoplasia, type 1. Last evaluated: 2025-10-06. Review status: criteria provided, single submitter. Criteria: Invitae Variant Classification Sherloc (09022015). Collection method: clinical testing. Allele origin: germline.
Comment: This sequence change replaces glutamic acid, which is acidic and polar, with aspartic acid, which is acidic and polar, at codon 466 of the MEN1 protein (p.Glu466Asp). This variant is not present in population databases (gnomAD no frequency). This missense change has been observed in individual(s) with clinical features of MEN1-related conditions (internal data). ClinVar contains an entry for this variant (Variation ID: 457294). Invitae Evidence Modeling of protein sequence and biophysical properties (such as structural, functional, and spatial information, amino acid conservation, physicochemical variation, residue mobility, and thermodynamic stability) indicates that this missense variant is not expected to disrupt MEN1 protein function with a negative predictive value of 95%. In summary, the available evidence is currently insufficient to determine the role of this variant in disease. Therefore, it has been classified as a Variant of Uncertain Significance.

Color Diagnostics, LLC DBA Color Health
Classification: Uncertain significance for Multiple endocrine neoplasia, type 1. Last evaluated: 2025-06-17. Review status: criteria provided, single submitter. Criteria: ACMG Guidelines, 2015. Collection method: clinical testing. Allele origin: germline.
Comment: This missense variant replaces glutamic acid with aspartic acid at codon 466 of the MEN1 protein. Computational prediction suggests that this variant may not impact protein structure and function. To our knowledge, functional studies have not been reported for this variant. This variant has not been reported in individuals affected with MEN1-related disorders in the literature. This variant has been identified in 1/224944 chromosomes in the general population by the Genome Aggregation Database (gnomAD). The available evidence is insufficient to determine the role of this variant in disease conclusively. Therefore, this variant is classified as a Variant of Uncertain Significance.

Ambry Genetics
Classification: Uncertain significance for Hereditary cancer-predisposing syndrome. Last evaluated: 2024-05-03. Review status: criteria provided, single submitter. Criteria: Ambry Variant Classification Scheme 2023. Collection method: clinical testing. Allele origin: germline.
Comment: The p.E466D variant (also known as c.1398G>T), located in coding exon 9 of the MEN1 gene, results from a G to T substitution at nucleotide position 1398. The glutamic acid at codon 466 is replaced by aspartic acid, an amino acid with highly similar properties. This amino acid position is not well conserved in available vertebrate species, and aspartic acid is the reference amino acid in other vertebrate species. In addition, this alteration is predicted to be tolerated by in silico analysis. Since supporting evidence is limited at this time, the clinical significance of this alteration remains unclear.

Baylor Genetics
Classification: Uncertain significance for Multiple Endocrine Neoplasia Type 1. Last evaluated: 2023-11-23. Review status: criteria provided, single submitter. Criteria: ACMG Guidelines, 2015. Collection method: clinical testing. Allele origin: unknown.

GeneDx
Classification: Uncertain significance. Last evaluated: 2020-03-02. Review status: criteria provided, single submitter. Criteria: GeneDx Variant Classification Process June 2021. Collection method: clinical testing. Allele origin: germline. Affected: yes.
Comment: Not observed at a significant frequency in large population cohorts (Lek 2016); In silico analysis supports that this missense variant does not alter protein structure/function; Has not been previously published as pathogenic or benign to our knowledge

NM_001370259.2(MEN1):c.1398G>T (p.Glu466Asp)

Gene: MEN1 (menin 1; minus strand). Cytogenetic location: 11q13.1.
Variant type: single nucleotide variant.
Coding change: c.1398G>T on transcript NM_001370259.2 (MANE Select); coding-DNA position 1398, G replaced by T.
Protein change: p.Glu466Asp; replaces glutamic acid 466 with aspartic acid.
Molecular consequence: missense variant.
Genome position (GRCh38, 1-based): chr11:64,804,769, C>A on the plus strand (G>T on the coding strand, the complement: MEN1 is on the minus strand). VCF-style: chr11-64804769-C-A. GRCh37 (hg19) VCF-style: chr11-64572241-C-A.
Other names: c.1413G>T, p.Glu471Asp (NM_000244.4, NM_130800.3, NM_130801.3 and 3 more transcripts); c.1524G>T, p.Glu508Asp (NM_001370251.2); c.1398G>T, p.Glu466Asp (NM_001370260.2, NM_001370261.2, NM_130799.3); c.1293G>T, p.Glu431Asp (NM_001370262.2, NM_001370263.2); short protein forms E466D, E471D, E508D, E431D.
Identifiers: ClinVar variation 457294 (VCV000457294.16), dbSNP rs990566024, ClinGen allele CA223912056.
Genomic context (GRCh38, chr11:64,804,769, plus strand): 5'-CTCCCGCCGTGGGCCCCGCCGCCGGCCTTCCCGGGCTTCCTCGCCCCACGGCTCCTCGGC[C>A]TCGGCCGCCTCGGCCTCTCGGCTCACTATGCGCACCTTCTGCCGCACCTGGGCCAGTGGG-3'
Protein context (NP_001357188.2, residues 456-476): RIVSREAEAA[Glu466Asp]AEEPWGEEAR